The following is an entry in ClinVar:

NM_020223.4(FAM20C):c.614C>T (p.Ala205Val)

Gene: FAM20C (FAM20C golgi associated secretory pathway kinase; plus strand). Cytogenetic location: 7p22.3.
Variant type: single nucleotide variant.
Coding change: c.614C>T on transcript NM_020223.4 (MANE Select); coding-DNA position 614, C replaced by T.
Protein change: p.Ala205Val; replaces alanine 205 with valine.
Molecular consequence: missense variant.
Genome position (GRCh38, 1-based): chr7:195,562, C>T. VCF-style: chr7-195562-C-T. GRCh37 (hg19) VCF-style: chr7-195562-C-T.
Other names: c.614C>T (NM_020223.2); short protein forms A205V.
Identifiers: ClinVar variation 2190898 (VCV002190898.4), dbSNP rs755764751, ClinGen allele CA4108944.

ClinVar aggregate classification (germline): Conflicting classifications of pathogenicity. Review status: criteria provided, conflicting classifications (1 of 4 stars). 2 submissions from 2 submitters: Uncertain significance (1); Likely benign (1). Last evaluated 2023-12-19.

Conditions:
Inborn genetic diseases. Identifiers: MedGen C0950123, MeSH D030342.

Allele frequency attached by ClinVar (database versions not stated): gnomAD exomes 0.00003; ExAC 0.00007; gnomAD 0.00011; TOPMed 0.00012.

Submissions (3):

Labcorp Genetics (formerly Invitae), Labcorp
Classification: Uncertain significance. Last evaluated: 2023-12-19. Review status: criteria provided, single submitter. Criteria: Invitae Variant Classification Sherloc (09022015). Collection method: clinical testing. Allele origin: germline.
Comment: This sequence change replaces alanine, which is neutral and non-polar, with valine, which is neutral and non-polar, at codon 205 of the FAM20C protein (p.Ala205Val). This variant is present in population databases (rs755764751, gnomAD 0.03%). This variant has not been reported in the literature in individuals affected with FAM20C-related conditions. ClinVar contains an entry for this variant (Variation ID: 2190898). Advanced modeling of protein sequence and biophysical properties (such as structural, functional, and spatial information, amino acid conservation, physicochemical variation, residue mobility, and thermodynamic stability) performed at Invitae indicates that this missense variant is not expected to disrupt FAM20C protein function with a negative predictive value of 80%. In summary, the available evidence is currently insufficient to determine the role of this variant in disease. Therefore, it has been classified as a Variant of Uncertain Significance.

Ambry Genetics
Classification: Likely benign for Inborn genetic diseases. Last evaluated: 2022-07-20. Review status: criteria provided, single submitter. Criteria: Ambry Variant Classification Scheme 2023. Collection method: clinical testing. Allele origin: germline.

Dr. Peter K. Rogan Lab, Western University
No classification provided (evidence only). Condition: Thymoma. Review status: no classification provided. Collection method: in vitro. Allele origin: not applicable. Functional consequence: retained intron. Not counted in ClinVar's aggregate classification.